The following is an entry in ClinVar:

ClinVar aggregate classification (germline): Uncertain significance. Review status: criteria provided, multiple submitters, no conflicts (2 of 4 stars). 2 submissions from 2 submitters: Uncertain significance (2). Last evaluated 2024-08-13.

Conditions:
Inborn genetic diseases. Identifiers: MedGen C0950123, MeSH D030342.

Allele frequency attached by ClinVar (database versions not stated): gnomAD exomes below 0.00001.

Submissions (2):

Labcorp Genetics (formerly Invitae), Labcorp
Classification: Uncertain significance. Last evaluated: 2024-08-13. Review status: criteria provided, single submitter. Criteria: Invitae Variant Classification Sherloc (09022015). Collection method: clinical testing. Allele origin: germline.
Comment: This sequence change replaces serine, which is neutral and polar, with leucine, which is neutral and non-polar, at codon 201 of the MCM3AP protein (p.Ser201Leu). This variant is present in population databases (no rsID available, gnomAD 0.01%). This variant has not been reported in the literature in individuals affected with MCM3AP-related conditions. ClinVar contains an entry for this variant (Variation ID: 1997988). An algorithm developed to predict the effect of missense changes on protein structure and function (PolyPhen-2) suggests that this variant is likely to be tolerated. In summary, the available evidence is currently insufficient to determine the role of this variant in disease. Therefore, it has been classified as a Variant of Uncertain Significance.

Ambry Genetics
Classification: Uncertain significance for Inborn genetic diseases. Last evaluated: 2023-09-26. Review status: criteria provided, single submitter. Criteria: Ambry Variant Classification Scheme 2023. Collection method: clinical testing. Allele origin: germline.

NM_003906.5(MCM3AP):c.602C>T (p.Ser201Leu)

Gene: MCM3AP (minichromosome maintenance complex component 3 associated protein; minus strand). Cytogenetic location: 21q22.3.
Variant type: single nucleotide variant.
Coding change: c.602C>T on transcript NM_003906.5 (MANE Select); coding-DNA position 602, C replaced by T.
Protein change: p.Ser201Leu; replaces serine 201 with leucine.
Molecular consequence: missense variant.
Genome position (GRCh38, 1-based): chr21:46,284,685, G>A on the plus strand (C>T on the coding strand, the complement: MCM3AP is on the minus strand). VCF-style: chr21-46284685-G-A. GRCh37 (hg19) VCF-style: chr21-47704599-G-A.
Other names: c.602C>T (NM_003906.3); short protein forms S201L.
Identifiers: ClinVar variation 1997988 (VCV001997988.5), dbSNP rs1391030698, ClinGen allele CA410536036.